The following is an entry in ClinVar:

NM_022455.5(NSD1):c.4972_4974del (p.Leu1658del)

Gene: NSD1 (nuclear receptor binding SET domain protein 1; plus strand). Cytogenetic location: 5q35.3.
Variant type: Deletion.
Coding change: c.4972_4974del on transcript NM_022455.5 (MANE Select); coding-DNA positions 4972 to 4974, 3 bases deleted (TTG; older notation c.4972_4974delTTG).
Protein change: p.Leu1658del; deletes leucine 1658.
Molecular consequence: inframe deletion. On other transcripts: inframe indel (11).
Genome position (GRCh38, 1-based): chr5:177,259,994-177,259,996, TTG deleted; deleting any 3 consecutive bases within chr5:177,259,993-177,259,996 gives the same sequence; the c. name uses the placement nearest the transcript's 3' end. VCF-style (leftmost placement, unchanged base first): chr5-177259992-GGTT-G. GRCh37 (hg19) VCF-style: chr5-176686993-GGTT-G.
Other names: c.4099_4101delTTG, p.Leu1367del (NM_001365684.2, NM_001409308.1, NM_001409309.1 and 1 more transcripts); c.4972_4974delTTG, p.Leu1658del (NM_001409301.1, NM_001409302.1, NM_001409303.1); c.4552_4554delTTG, p.Leu1518del (NM_001409304.1); c.4219_4221delTTG, p.Leu1407del (NM_001409305.1); c.4210_4212delTTG, p.Leu1404del (NM_001409306.1, NM_001409307.1); short protein forms L1367del, L1389del, L1404del, L1407del, L1518del, L1658del.
Identifiers: ClinVar variation 1805901 (VCV001805901.3), dbSNP rs2480678697, ClinGen allele CA2573320528.

ClinVar aggregate classification (germline): Likely pathogenic (1 of 4 stars; one submission).

Conditions:
Sotos syndrome (SOTOS). Also called: CEREBRAL GIGANTISM; SOTOS SYNDROME 1; Sotos' syndrome; Distinctive facial appearance, overgrowth in childhood, and learning disabilities or delayed development; CHROMOSOME 5q35 DELETION SYNDROME. Identifiers: Orphanet 821, MedGen C0175695, MONDO:0019349, OMIM 117550.

Submission:

Victorian Clinical Genetics Services, Murdoch Childrens Research Institute
Classification: Likely pathogenic for Sotos syndrome. Last evaluated: 2023-07-16. Review status: criteria provided, single submitter. Criteria: ACMG Guidelines, 2015. Collection method: clinical testing. Allele origin: germline. Inheritance: Autosomal dominant inheritance. Affected: yes.
Comment: Based on the classification scheme VCGS_Germline_v1.3.4, this variant is classified as Likely pathogenic. Following criteria are met: 0102 - Loss of function is a known mechanism of disease in this gene and is associated with Sotos syndrome (MIM#117550). (I) 0107 - This gene is associated with autosomal dominant disease. (I) 0213 - In-frame deletion in a non-repetitive region that has high conservation. (SP) 0251 - This variant is heterozygous. (I) 0301 - Variant is absent from gnomAD (both v2 and v3). (SP) 0604 - Variant is not located in an established domain, motif, hotspot or informative constraint region. (I) 0705 - No comparable in-frame deletion variants have previous evidence for pathogenicity. (I) 0807 - This variant has no previous evidence of pathogenicity. (I) 0905 - No published segregation evidence has been identified for this variant. (I) 1007 - No published functional evidence has been identified for this variant. (I) 1102 - Strong phenotype match for this individual. (SP) Legend: (SP) - Supporting pathogenic, (I) - Information, (SB) - Supporting benign